The following is an entry in ClinVar:

NM_001267550.2(TTN):c.45454T>C (p.Trp15152Arg)

Genes: TTN (titin; minus strand), LOC126806427 (BRD4-independent group 4 enhancer GRCh37_chr2:179485777-179486976; plus strand). Cytogenetic location: 2q31.2.
Variant type: single nucleotide variant.
Coding change: c.45454T>C on transcript NM_001267550.2 (MANE Select); coding-DNA position 45454, T replaced by C.
Protein change: p.Trp15152Arg; replaces tryptophan 15152 with arginine.
Molecular consequence: missense variant.
Genome position (GRCh38, 1-based): chr2:178,621,264, A>G on the plus strand (T>C on the coding strand, the complement: TTN is on the minus strand). VCF-style: chr2-178621264-A-G. GRCh37 (hg19) VCF-style: chr2-179485991-A-G.
Other names: c.40531T>C, p.Trp13511Arg (NM_001256850.1); c.18259T>C, p.Trp6087Arg (NM_003319.4); c.37750T>C, p.Trp12584Arg (NM_133378.4); c.18634T>C, p.Trp6212Arg (NM_133432.3); c.18835T>C, p.Trp6279Arg (NM_133437.4); short protein forms W13511R, W12584R, W6087R, W6212R, W6279R, W15152R.
Identifiers: ClinVar variation 4088111 (VCV004088111.1).

ClinVar aggregate classification (germline): Uncertain significance (1 of 4 stars; one submission).

gnomAD v4.1: 18 of 1,612,110 alleles (0.0011%); highest among the groups gnomAD compares: Non-Finnish European, 0.0014%; no homozygotes.

Submission:

GeneDx
Classification: Uncertain significance. Last evaluated: 2025-03-25. Review status: criteria provided, single submitter. Criteria: GeneDx Variant Classification Process June 2021. Collection method: clinical testing. Allele origin: germline. Affected: yes.
Comment: Not observed at significant frequency in large population cohorts (gnomAD); Missense variant in a gene in which most reported pathogenic variants are truncating/loss of function; Has not been previously published as pathogenic or benign to our knowledge